The following is an entry in ClinVar:

ClinVar aggregate classification (germline): Uncertain significance (1 of 4 stars; one submission).

Allele frequency attached by ClinVar (database versions not stated): gnomAD exomes below 0.00001; gnomAD 0.00001; TOPMed 0.00001; ExAC 0.00002; 1000 Genomes Project 30x 0.00016; 1000 Genomes Project 0.00020.
gnomAD v4.1: 5 of 1,614,082 alleles (0.00031%); highest among the groups gnomAD compares: Admixed American, 0.0067%; no homozygotes.

Submission:

Labcorp Genetics (formerly Invitae), Labcorp
Classification: Uncertain significance. Last evaluated: 2024-06-04. Review status: criteria provided, single submitter. Criteria: Invitae Variant Classification Sherloc (09022015). Collection method: clinical testing. Allele origin: germline.
Comment: This sequence change replaces leucine, which is neutral and non-polar, with proline, which is neutral and non-polar, at codon 866 of the AUTS2 protein (p.Leu866Pro). This variant is present in population databases (rs531794766, gnomAD 0.01%). This variant has not been reported in the literature in individuals affected with AUTS2-related conditions. Advanced modeling of protein sequence and biophysical properties (such as structural, functional, and spatial information, amino acid conservation, physicochemical variation, residue mobility, and thermodynamic stability) has been performed at Invitae for this missense variant, however the output from this modeling did not meet the statistical confidence thresholds required to predict the impact of this variant on AUTS2 protein function. In summary, the available evidence is currently insufficient to determine the role of this variant in disease. Therefore, it has been classified as a Variant of Uncertain Significance.

NM_015570.4(AUTS2):c.2597T>C (p.Leu866Pro)

Gene: AUTS2 (activator of transcription and developmental regulator AUTS2; plus strand). Cytogenetic location: 7q11.22.
Variant type: single nucleotide variant.
Coding change: c.2597T>C on transcript NM_015570.4 (MANE Select); coding-DNA position 2597, T replaced by C.
Protein change: p.Leu866Pro; replaces leucine 866 with proline.
Molecular consequence: missense variant.
Genome position (GRCh38, 1-based): chr7:70,789,813, T>C. VCF-style: chr7-70789813-T-C. GRCh37 (hg19) VCF-style: chr7-70254799-T-C.
Other names: c.2525T>C, p.Leu842Pro (NM_001127231.3); short protein forms L866P, L842P.
Identifiers: ClinVar variation 2776878 (VCV002776878.3), dbSNP rs531794766, ClinGen allele CA4281131.